The following is an entry in ClinVar:

NM_004995.4(MMP14):c.904C>T (p.Arg302Trp)

Gene: MMP14 (matrix metallopeptidase 14; plus strand). Cytogenetic location: 14q11.2.
Variant type: single nucleotide variant.
Coding change: c.904C>T on transcript NM_004995.4 (MANE Select); coding-DNA position 904, C replaced by T.
Protein change: p.Arg302Trp; replaces arginine 302 with tryptophan.
Molecular consequence: missense variant.
Genome position (GRCh38, 1-based): chr14:22,843,763, C>T. VCF-style: chr14-22843763-C-T. GRCh37 (hg19) VCF-style: chr14-23312972-C-T.
Other names: short protein forms R302W.
Identifiers: ClinVar variation 1406380 (VCV001406380.8), dbSNP rs17884719, ClinGen allele CA7105307.
Genomic context (GRCh38, chr14:22,843,763, plus strand): 5'-GCCCCAGGGGGTGAGTCAGGGTTCCCCACCAAGATGCCCCCTCAACCCAGGACTACCTCC[C>T]GGCCTTCTGTTCCTGATAAACCCAAAAACCCCACCTATGGGCCCAACATCTGTGACGGGA-3'
Protein context (NP_004986.1, residues 292-312): KMPPQPRTTS[Arg302Trp]PSVPDKPKNP

ClinVar aggregate classification (germline): Uncertain significance (1 of 4 stars; one submission).

Allele frequency attached by ClinVar (database versions not stated): gnomAD exomes 0.00002 and 0.00003; TOPMed 0.00002; ExAC 0.00005; ESP Exome Variant Server 0.00008.
gnomAD v4.1: 28 of 1,612,916 alleles (0.0017%); highest among the groups gnomAD compares: East Asian, 0.013%; no homozygotes.

Submission:

Labcorp Genetics (formerly Invitae), Labcorp
Classification: Uncertain significance. Last evaluated: 2022-12-17. Review status: criteria provided, single submitter. Criteria: Invitae Variant Classification Sherloc (09022015). Collection method: clinical testing. Allele origin: germline.
Comment: This sequence change replaces arginine, which is basic and polar, with tryptophan, which is neutral and slightly polar, at codon 302 of the MMP14 protein (p.Arg302Trp). In summary, the available evidence is currently insufficient to determine the role of this variant in disease. Therefore, it has been classified as a Variant of Uncertain Significance. Algorithms developed to predict the effect of missense changes on protein structure and function output the following: SIFT: "Deleterious"; PolyPhen-2: "Benign"; Align-GVGD: "Class C0". The tryptophan amino acid residue is found in multiple mammalian species, which suggests that this missense change does not adversely affect protein function. ClinVar contains an entry for this variant (Variation ID: 1406380). This variant has not been reported in the literature in individuals affected with MMP14-related conditions. This variant is present in population databases (rs17884719, gnomAD 0.01%).